The following is an entry in ClinVar:

NM_000501.4(ELN):c.233-1G>A

Gene: ELN (elastin; plus strand). Cytogenetic location: 7q11.23.
Variant type: single nucleotide variant.
Coding change: c.233-1G>A on transcript NM_000501.4 (MANE Select); the canonical splice acceptor site of the intron before coding-DNA position 233, G replaced by A.
Molecular consequence: splice acceptor variant.
Genome position (GRCh38, 1-based): chr7:74,042,613, G>A. VCF-style: chr7-74042613-G-A. GRCh37 (hg19) VCF-style: chr7-73456943-G-A.
Other names: c.233-1G>A (NM_001081754.3, NM_001081753.3, NM_001278939.2 and 4 more transcripts); c.197-1G>A (NM_001278913.2); c.203-1G>A (NM_001278914.2, NM_001278917.2, NM_001081752.3 and 1 more transcripts).
Identifiers: ClinVar variation 4526937 (VCV004526937.1).

ClinVar aggregate classification (germline): Uncertain significance (1 of 4 stars; one submission).

Submission:

GeneDx
Classification: Uncertain significance. Last evaluated: 2025-04-23. Review status: criteria provided, single submitter. Criteria: GeneDx Variant Classification Process June 2021. Collection method: clinical testing. Allele origin: germline. Affected: yes.
Comment: Canonical splice site variant with an unclear effect on protein function; Not observed at significant frequency in large population cohorts (gnomAD); Has not been previously published as pathogenic or benign to our knowledge